The following is an entry in ClinVar:

ClinVar aggregate classification (germline): Uncertain significance (1 of 4 stars; one submission).

Conditions:
Congenital myasthenic syndrome 8. Also called: MYASTHENIC SYNDROME, CONGENITAL, DUE TO AGRIN DEFICIENCY; Myasthenic syndrome, congenital, 8, with pre- and postsynaptic defects. Identifiers: Orphanet 590, MedGen C3808739, MONDO:0014052, OMIM 615120.

gnomAD v4.1: 1 of 1,612,340 alleles (0.000062%); highest among the groups gnomAD compares: Admixed American, 0.0017%; no homozygotes.

Submission:

Labcorp Genetics (formerly Invitae), Labcorp
Classification: Uncertain significance for Congenital myasthenic syndrome 8. Last evaluated: 2022-04-16. Review status: criteria provided, single submitter. Criteria: Invitae Variant Classification Sherloc (09022015). Collection method: clinical testing. Allele origin: germline.
Comment: This sequence change replaces arginine, which is basic and polar, with glycine, which is neutral and non-polar, at codon 1703 of the AGRN protein (p.Arg1703Gly). This variant is present in population databases (rs151104255, gnomAD 0.003%). In summary, the available evidence is currently insufficient to determine the role of this variant in disease. Therefore, it has been classified as a Variant of Uncertain Significance. Algorithms developed to predict the effect of missense changes on protein structure and function are either unavailable or do not agree on the potential impact of this missense change (SIFT: "Tolerated"; PolyPhen-2: "Probably Damaging"; Align-GVGD: "Class C0"). This variant has not been reported in the literature in individuals affected with AGRN-related conditions.

NM_198576.4(AGRN):c.5107C>G (p.Arg1703Gly)

Gene: AGRN (agrin; plus strand). Cytogenetic location: 1p36.33.
Variant type: single nucleotide variant.
Coding change: c.5107C>G on transcript NM_198576.4 (MANE Select); coding-DNA position 5107, C replaced by G.
Protein change: p.Arg1703Gly; replaces arginine 1703 with glycine.
Molecular consequence: missense variant.
Genome position (GRCh38, 1-based): chr1:1,050,557, C>G. VCF-style: chr1-1050557-C-G. GRCh37 (hg19) VCF-style: chr1-985937-C-G.
Other names: c.5107C>G, p.Arg1703Gly (NM_001305275.2); c.4792C>G, p.Arg1598Gly (NM_001364727.2); short protein forms R1598G, R1703G.
Identifiers: ClinVar variation 2126743 (VCV002126743.4), dbSNP rs151104255, ClinGen allele CA509854.